The following is an entry in ClinVar:

ClinVar aggregate classification (germline): Likely pathogenic (1 of 4 stars; one submission).

Conditions:
Autosomal recessive nonsyndromic hearing loss 18B. Also called: Deafness, autosomal recessive 18b. Identifiers: Orphanet 90636, MedGen C3554163, MONDO:0013985, OMIM 614945.

Submission:

Juno Genomics, Hangzhou Juno Genomics, Inc
Classification: Likely pathogenic for Autosomal recessive nonsyndromic hearing loss 18B. Review status: criteria provided, single submitter. Criteria: ACMG Guidelines, 2015. Collection method: clinical testing. Allele origin: germline.
Comment: Null variant in a gene where loss of function (LOF) is a known mechanism of disease.;Absent from controls (or at extremely low frequency if recessive) in Genome Aggregation Database.

NM_001292063.2(OTOG):c.4756del (p.Met1586fs)

Gene: OTOG (otogelin; plus strand). Cytogenetic location: 11p15.1.
Variant type: Deletion.
Coding change: c.4756del on transcript NM_001292063.2 (MANE Select); coding-DNA position 4756, one base deleted (A; older notation c.4756delA).
Protein change: p.Met1586fs; shifts the reading frame from methionine 1586.
Molecular consequence: frameshift variant.
Genome position (GRCh38, 1-based): chr11:17,610,056, A deleted. VCF-style (leftmost placement, unchanged base first): chr11-17610055-CA-C. GRCh37 (hg19) VCF-style: chr11-17631602-CA-C.
Other names: c.4792del, p.Met1598fs (NM_001277269.2); short protein forms M1598fs, M1586fs.
Identifiers: ClinVar variation 5007840 (VCV005007840.2).
Genomic context (GRCh38, chr11:17,610,055, plus strand): 5'-AGAGTCCTCATCCCTCCCTGTTGCACTGCAGACACCCACACCTGGCATGGTGTCAGGTGC[CA>C]TGGAGACAACAAGGGTGACTGTGATCTTTGCAGGAAGCCCTAACATCACAGTCTCCTCCC-3'